The following is an entry in ClinVar:

ClinVar aggregate classification (germline): Uncertain significance (1 of 4 stars; one submission).

Allele frequency attached by ClinVar (database versions not stated): gnomAD exomes below 0.00001 and 0.00001; gnomAD 0.00001; TOPMed 0.00002; ESP Exome Variant Server 0.00008.
gnomAD v4.1: 2 of 1,613,906 alleles (0.00012%); highest among the groups gnomAD compares: African/African-American, 0.0027%; no homozygotes.

Submission:

Labcorp Genetics (formerly Invitae), Labcorp
Classification: Uncertain significance. Last evaluated: 2022-03-02. Review status: criteria provided, single submitter. Criteria: Invitae Variant Classification Sherloc (09022015). Collection method: clinical testing. Allele origin: germline.
Comment: In summary, the available evidence is currently insufficient to determine the role of this variant in disease. Therefore, it has been classified as a Variant of Uncertain Significance. Algorithms developed to predict the effect of missense changes on protein structure and function are either unavailable or do not agree on the potential impact of this missense change (SIFT: "Deleterious"; PolyPhen-2: "Probably Damaging"; Align-GVGD: "Class C0"). This variant has not been reported in the literature in individuals affected with LRRK1-related conditions. This variant is present in population databases (rs373841325, gnomAD 0.01%). This sequence change replaces arginine, which is basic and polar, with glycine, which is neutral and non-polar, at codon 1125 of the LRRK1 protein (p.Arg1125Gly).

NM_024652.6(LRRK1):c.3373A>G (p.Arg1125Gly)

Genes: LRRK1 (leucine rich repeat kinase 1; plus strand), LRRK1-AS1 (LRRK1 antisense RNA 1; minus strand). Cytogenetic location: 15q26.3.
Variant type: single nucleotide variant.
Coding change: c.3373A>G on transcript NM_024652.6 (MANE Select); coding-DNA position 3373, A replaced by G.
Protein change: p.Arg1125Gly; replaces arginine 1125 with glycine.
Molecular consequence: missense variant.
Genome position (GRCh38, 1-based): chr15:101,049,717, A>G. VCF-style: chr15-101049717-A-G. GRCh37 (hg19) VCF-style: chr15-101589922-A-G.
Other names: short protein forms R1125G.
Identifiers: ClinVar variation 1374218 (VCV001374218.6), dbSNP rs373841325, ClinGen allele CA275613136.